The following is an entry in ClinVar:

NM_001754.5(RUNX1):c.1076C>T (p.Pro359Leu)

Gene: RUNX1 (RUNX family transcription factor 1; minus strand). Cytogenetic location: 21q22.12.
Variant type: single nucleotide variant.
Coding change: c.1076C>T on transcript NM_001754.5 (MANE Select); coding-DNA position 1076, C replaced by T.
Protein change: p.Pro359Leu; replaces proline 359 with leucine.
Molecular consequence: missense variant.
Genome position (GRCh38, 1-based): chr21:34,792,502, G>A on the plus strand (C>T on the coding strand, the complement: RUNX1 is on the minus strand). VCF-style: chr21-34792502-G-A. GRCh37 (hg19) VCF-style: chr21-36164799-G-A.
Other names: NM_001754.5(RUNX1):c.1076C>T; p.Pro359Leu; c.995C>T, p.Pro332Leu (NM_001001890.3); short protein forms P332L, P359L.
Identifiers: ClinVar variation 1951248 (VCV001951248.7), dbSNP rs1601333461, ClinGen allele CA410148207.

ClinVar aggregate classification (germline): Uncertain significance. Review status: reviewed by expert panel (3 of 4 stars). 3 submissions from 3 submitters: Uncertain significance (1). 2 of the submissions do not count toward it. Last evaluated 2025-01-15.

Conditions:
Hereditary thrombocytopenia and hematologic cancer predisposition syndrome. Identifiers: Orphanet 71290, MedGen CN281654, MONDO:0011071.
Hereditary thrombocytopenia and hematological cancer predisposition syndrome associated with RUNX1. Also called: RUNX1 Familial Platelet Disorder with Associated Myeloid Malignancies; Familial Platelet Disorder with Propensity to Acute Myelogenous Leukemia; Familial thrombocytopenia with propensity to acute myelogenous leukemia; PLATELET DISORDER, ASPIRIN-LIKE. Identifiers: Orphanet 71290, MedGen C1832388, MeSH C563324, MONDO:0100083, OMIM 601399.

gnomAD v4.1: 1 of 1,598,476 alleles (0.000063%); highest among the groups gnomAD compares: Middle Eastern, 0.017%; no homozygotes.

Submissions (3):

ClinGen Myeloid Malignancy Variant Curation Expert Panel
Classification: Uncertain significance for Hereditary thrombocytopenia and hematologic cancer predisposition syndrome. Last evaluated: 2025-01-15. Review status: reviewed by expert panel. Criteria: ClinGen MyeloMalig ACMG Specifications v2. Collection method: curation. Allele origin: germline. Inheritance: Autosomal dominant inheritance.
Comment: NM_001754.5(RUNX1):c.1076C>T (p.Pro359Leu) is a missense variant which is completely absent from all population databases with at least 20x coverage for RUNX1 (PM2_supporting). In summary, the clinical significance of this variant is uncertain due to insufficient evidence. ACMG/AMP criteria applied, as specified by the Myeloid Malignancy Variant Curation Expert Panel for RUNX1: PM2_supporting.

GeneDx
Classification: Uncertain significance. Last evaluated: 2024-07-11. Review status: criteria provided, single submitter. Criteria: GeneDx Variant Classification Process June 2021. Collection method: clinical testing. Allele origin: germline. Affected: yes. Not counted in ClinVar's aggregate classification.
Comment: Not observed at significant frequency in large population cohorts (gnomAD); In silico analysis supports that this missense variant has a deleterious effect on protein structure/function; Has not been previously published as pathogenic or benign to our knowledge

Labcorp Genetics (formerly Invitae), Labcorp
Classification: Uncertain significance for Hereditary thrombocytopenia and hematological cancer predisposition syndrome associated with RUNX1. Last evaluated: 2023-06-16. Review status: criteria provided, single submitter. Criteria: Invitae Variant Classification Sherloc (09022015). Collection method: clinical testing. Allele origin: germline. Not counted in ClinVar's aggregate classification.
Comment: In summary, the available evidence is currently insufficient to determine the role of this variant in disease. Therefore, it has been classified as a Variant of Uncertain Significance. Advanced modeling of protein sequence and biophysical properties (such as structural, functional, and spatial information, amino acid conservation, physicochemical variation, residue mobility, and thermodynamic stability) has been performed at Invitae for this missense variant, however the output from this modeling did not meet the statistical confidence thresholds required to predict the impact of this variant on RUNX1 protein function. ClinVar contains an entry for this variant (Variation ID: 1951248). This variant has not been reported in the literature in individuals affected with RUNX1-related conditions. This variant is not present in population databases (gnomAD no frequency). This sequence change replaces proline, which is neutral and non-polar, with leucine, which is neutral and non-polar, at codon 359 of the RUNX1 protein (p.Pro359Leu).